The following is an entry in ClinVar:

ClinVar aggregate classification (germline): Uncertain significance. Review status: criteria provided, multiple submitters, no conflicts (2 of 4 stars). 2 submissions from 2 submitters: Uncertain significance (2). Last evaluated 2025-11-23.

Conditions:
Familial temporal lobe epilepsy 7. Identifiers: Orphanet 101046, MedGen C4225327, MONDO:0014639, OMIM 616436.
Norman-Roberts syndrome (LIS2). Also called: Lissencephaly 2 (Norman-Roberts type). Identifiers: Orphanet 89844, MedGen C0796089, MONDO:0009760, OMIM 257320.
Inborn genetic diseases. Identifiers: MedGen C0950123, MeSH D030342.

Allele frequency attached by ClinVar (database versions not stated): ExAC 0.00002; gnomAD exomes 0.00002 and 0.00004; TOPMed 0.00006; gnomAD 0.00007 and 0.00009; ESP Exome Variant Server 0.00008.
gnomAD v4.1: 73 of 1,613,954 alleles (0.0045%); highest among the groups gnomAD compares: African/African-American, 0.008%; no homozygotes.

Submissions (2):

Labcorp Genetics (formerly Invitae), Labcorp
Classification: Uncertain significance for Familial temporal lobe epilepsy 7; Norman-Roberts syndrome. Last evaluated: 2025-11-23. Review status: criteria provided, single submitter. Criteria: Invitae Variant Classification Sherloc (09022015). Collection method: clinical testing. Allele origin: germline.
Comment: This sequence change replaces aspartic acid, which is acidic and polar, with histidine, which is basic and polar, at codon 1615 of the RELN protein (p.Asp1615His). This variant is present in population databases (rs375040526, gnomAD 0.004%). This variant has not been reported in the literature in individuals affected with RELN-related conditions. ClinVar contains an entry for this variant (Variation ID: 576903). Invitae Evidence Modeling of protein sequence and biophysical properties (such as structural, functional, and spatial information, amino acid conservation, physicochemical variation, residue mobility, and thermodynamic stability) indicates that this missense variant is not expected to disrupt RELN protein function with a negative predictive value of 80%. In summary, the available evidence is currently insufficient to determine the role of this variant in disease. Therefore, it has been classified as a Variant of Uncertain Significance.

Ambry Genetics
Classification: Uncertain significance for Inborn genetic diseases. Last evaluated: 2024-07-01. Review status: criteria provided, single submitter. Criteria: Ambry Variant Classification Scheme 2023. Collection method: clinical testing. Allele origin: germline.

NM_005045.4(RELN):c.4843G>C (p.Asp1615His)

Gene: RELN (reelin; minus strand). Cytogenetic location: 7q22.1.
Variant type: single nucleotide variant.
Coding change: c.4843G>C on transcript NM_005045.4 (MANE Select); coding-DNA position 4843, G replaced by C.
Protein change: p.Asp1615His; replaces aspartic acid 1615 with histidine.
Molecular consequence: missense variant.
Genome position (GRCh38, 1-based): chr7:103,566,317, C>G on the plus strand (G>C on the coding strand, the complement: RELN is on the minus strand). VCF-style: chr7-103566317-C-G. GRCh37 (hg19) VCF-style: chr7-103206764-C-G.
Other names: c.4843G>C, p.Asp1615His (NM_173054.3); short protein forms D1615H.
Identifiers: ClinVar variation 576903 (VCV000576903.10), dbSNP rs375040526, ClinGen allele CA4421397.